The following is an entry in ClinVar:

ClinVar aggregate classification (germline): Uncertain significance (1 of 4 stars; one submission).

Allele frequency attached by ClinVar (database versions not stated): gnomAD exomes 0.00001.
gnomAD v4.1: 6 of 1,614,160 alleles (0.00037%); highest among the groups gnomAD compares: Non-Finnish European, 0.00042%; no homozygotes.

Submission:

Labcorp Genetics (formerly Invitae), Labcorp
Classification: Uncertain significance. Last evaluated: 2024-10-02. Review status: criteria provided, single submitter. Criteria: Invitae Variant Classification Sherloc (09022015). Collection method: clinical testing. Allele origin: germline.
Comment: This sequence change replaces glutamic acid, which is acidic and polar, with lysine, which is basic and polar, at codon 135 of the CSF2RB protein (p.Glu135Lys). This variant is not present in population databases (gnomAD no frequency). This variant has not been reported in the literature in individuals affected with CSF2RB-related conditions. ClinVar contains an entry for this variant (Variation ID: 1500253). Invitae Evidence Modeling of protein sequence and biophysical properties (such as structural, functional, and spatial information, amino acid conservation, physicochemical variation, residue mobility, and thermodynamic stability) indicates that this missense variant is not expected to disrupt CSF2RB protein function with a negative predictive value of 80%. In summary, the available evidence is currently insufficient to determine the role of this variant in disease. Therefore, it has been classified as a Variant of Uncertain Significance.

NM_000395.3(CSF2RB):c.403G>A (p.Glu135Lys)

Gene: CSF2RB (colony stimulating factor 2 receptor subunit beta; plus strand). Cytogenetic location: 22q12.3.
Variant type: single nucleotide variant.
Coding change: c.403G>A on transcript NM_000395.3 (MANE Select); coding-DNA position 403, G replaced by A.
Protein change: p.Glu135Lys; replaces glutamic acid 135 with lysine.
Molecular consequence: missense variant.
Genome position (GRCh38, 1-based): chr22:36,929,413, G>A. VCF-style: chr22-36929413-G-A. GRCh37 (hg19) VCF-style: chr22-37325455-G-A.
Other names: short protein forms E135K.
Identifiers: ClinVar variation 1500253 (VCV001500253.6), dbSNP rs922323586, ClinGen allele CA323992550.
Genomic context (GRCh38, chr22:36,929,413, plus strand): 5'-GCCCCCCAGCGGTCCAGCCCTTAGGTGCCCTTCACTTCCTCCCCTCCAGTCCAGCCTCCT[G>A]AGCCCAGGGACCTGCAGATCAGCACCGACCAGGACCACTTCCTGCTGACCTGGAGTGTGG-3'
Protein context (NP_000386.1, residues 125-145): VTLTQHVQPP[Glu135Lys]PRDLQISTDQ